The following is an entry in ClinVar:

ClinVar aggregate classification (germline): Benign. Review status: criteria provided, multiple submitters, no conflicts (2 of 4 stars). 12 submissions from 11 submitters: Benign (10). 2 of the submissions do not count toward it. Last evaluated 2026-06-30.

Conditions:
Bartter disease type 4B. Also called: BARTTER SYNDROME, TYPE 4B, NEONATAL, WITH SENSORINEURAL DEAFNESS; BARTTER SYNDROME, TYPE 4B; Bartter syndrome, type 4b, digenic. Identifiers: Orphanet 112, MedGen C4310805, MONDO:0000909, OMIM 613090.
Bartter disease type 3. Also called: Bartter syndrome type 3. Identifiers: Orphanet 112, Orphanet 93605, MedGen C1846343, MONDO:0011822, OMIM 607364.

Allele frequency attached by ClinVar (database versions not stated): ESP Exome Variant Server 0.67215; gnomAD 0.68719 and 0.70090; TOPMed 0.69290; 1000 Genomes Project 30x 0.73001; 1000 Genomes Project 0.74042; ExAC 0.80223; gnomAD exomes 0.81207.
gnomAD v4.1: 1,285,519 of 1,613,688 alleles (80%); highest among the groups gnomAD compares: East Asian, 99%; 520,573 homozygotes.

Submissions (12):

Women's Health and Genetics/Laboratory Corporation of America, LabCorp
Classification: Benign. Last evaluated: 2026-06-30. Review status: criteria provided, single submitter. Criteria: LabCorp Variant Classification Summary - May 2015. Collection method: clinical testing. Allele origin: germline.

Labcorp Genetics (formerly Invitae), Labcorp
Classification: Benign. Last evaluated: 2026-02-04. Review status: criteria provided, single submitter. Criteria: Invitae Variant Classification Sherloc (09022015). Collection method: clinical testing. Allele origin: germline.

Blueprint Genetics
Classification: Benign. Last evaluated: 2024-11-26. Review status: criteria provided, single submitter. Criteria: ACMG Guidelines, 2015. Collection method: clinical testing. Allele origin: germline.

Mayo Clinic Laboratories, Mayo Clinic
Classification: Benign. Last evaluated: 2022-03-09. Review status: criteria provided, single submitter. Criteria: ACMG Guidelines, 2015. Collection method: clinical testing. Allele origin: germline. Observed: 183 variant alleles.

Genome-Nilou Lab
Classification: Benign for Bartter disease type 3. Last evaluated: 2021-07-22. Review status: criteria provided, single submitter. Criteria: ACMG Guidelines, 2015. Collection method: clinical testing. Allele origin: germline. Affected: no.

Genome-Nilou Lab
Classification: Benign for Bartter disease type 4B. Last evaluated: 2021-07-22. Review status: criteria provided, single submitter. Criteria: ACMG Guidelines, 2015. Collection method: clinical testing. Allele origin: germline. Affected: no.

GeneDx
Classification: Benign. Last evaluated: 2018-11-10. Review status: criteria provided, single submitter. Criteria: GeneDx Variant Classification Process June 2021. Collection method: clinical testing. Allele origin: germline. Affected: yes.

Athena Diagnostics
Classification: Benign. Last evaluated: 2017-08-02. Review status: criteria provided, single submitter. Criteria: Athena Diagnostics Criteria. Collection method: clinical testing. Allele origin: germline.

Laboratory for Molecular Medicine, Mass General Brigham Personalized Medicine
Classification: Benign. Last evaluated: 2016-03-21. Review status: criteria provided, single submitter. Criteria: LMM Criteria. Collection method: clinical testing. Allele origin: germline. Observed: 1 variant allele.
Comment: p.Ser108Ser in exon 4 of CLCNKB: This variant is not expected to have clinical s ignificance because it does not alter an amino acid residue, is not located with in the splice consensus sequence, and has been identified in 98.98% (8566/8654) of East Asian chromosomes by the Exome Aggregation Consortium (ExAC .; dbSNP rs5257).

Breakthrough Genomics
Classification: Benign. Review status: criteria provided, single submitter. Criteria: ACMG Guidelines, 2015. Collection method: not provided. Allele origin: germline. Inheritance: Autosomal recessive inheritance. Affected: yes.

Diagnostic Laboratory, Department of Genetics, University Medical Center Groningen
Classification: Benign. Review status: no assertion criteria provided. Collection method: clinical testing. Allele origin: germline. Affected: yes. Study: VKGL Data-share Consensus. Not counted in ClinVar's aggregate classification.

Joint Genome Diagnostic Labs from Nijmegen and Maastricht, Radboudumc and MUMC+
Classification: Benign. Review status: no assertion criteria provided. Collection method: clinical testing. Allele origin: germline. Affected: yes. Study: VKGL Data-share Consensus. Not counted in ClinVar's aggregate classification.

NM_000085.5(CLCNKB):c.324A>G (p.Ser108=)

Genes: CLCNKB (chloride voltage-gated channel Kb; plus strand), LOC106501713 (CLCNKB recombination region; plus strand). Cytogenetic location: 1p36.13.
Variant type: single nucleotide variant.
Coding change: c.324A>G on transcript NM_000085.5 (MANE Select); coding-DNA position 324, A replaced by G.
Protein change: p.Ser108=; no amino-acid change (serine 108 retained).
Molecular consequence: synonymous variant.
Genome position (GRCh38, 1-based): chr1:16,046,629, A>G. VCF-style: chr1-16046629-A-G. GRCh37 (hg19) VCF-style: chr1-16373124-A-G.
Other names: p.Ser108=.
Identifiers: ClinVar variation 447104 (VCV000447104.26), dbSNP rs5257, ClinGen allele CA623267.